The following is an entry in ClinVar:

ClinVar aggregate classification (germline): Uncertain significance (1 of 4 stars; one submission).

Conditions:
Hereditary cancer-predisposing syndrome. Also called: Neoplastic Syndromes, Hereditary; Tumor predisposition; Hereditary Cancer Syndrome; Hereditary neoplastic syndrome. Identifiers: Orphanet 140162, MedGen C0027672, MeSH D009386, MONDO:0015356.

gnomAD v4.1: 1 of 1,613,822 alleles (0.000062%); highest among the groups gnomAD compares: South Asian, 0.0011%; no homozygotes.

Submission:

Ambry Genetics
Classification: Uncertain significance for Hereditary cancer-predisposing syndrome. Last evaluated: 2024-10-21. Review status: criteria provided, single submitter. Criteria: Ambry Variant Classification Scheme 2023. Collection method: clinical testing. Allele origin: germline.
Comment: The p.F1933S variant (also known as c.5798T>C), located in coding exon 15 of the APC gene, results from a T to C substitution at nucleotide position 5798. The phenylalanine at codon 1933 is replaced by serine, an amino acid with highly dissimilar properties. This amino acid position is conserved. In addition, in silico predictors for this gene do not accurately predict pathogenicity. Based on the available evidence, the clinical significance of this variant remains unclear.

NM_000038.6(APC):c.5798T>C (p.Phe1933Ser)

Gene: APC (APC regulator of Wnt signaling pathway; plus strand). Cytogenetic location: 5q22.2.
Variant type: single nucleotide variant.
Coding change: c.5798T>C on transcript NM_000038.6 (MANE Select); coding-DNA position 5798, T replaced by C.
Protein change: p.Phe1933Ser; replaces phenylalanine 1933 with serine.
Molecular consequence: missense variant. On other transcripts: non-coding transcript variant (2).
Genome position (GRCh38, 1-based): chr5:112,841,392, T>C. VCF-style: chr5-112841392-T-C. GRCh37 (hg19) VCF-style: chr5-112177089-T-C.
Other names: c.5798T>C, p.Phe1933Ser (NM_001127510.3, NM_001354895.2, NM_001407450.1); c.5744T>C, p.Phe1915Ser (NM_001127511.3); c.5852T>C, p.Phe1951Ser (NM_001354896.2, NM_001407447.1, NM_001407448.1 and 1 more transcripts); c.5828T>C, p.Phe1943Ser (NM_001354897.2); c.5723T>C, p.Phe1908Ser (NM_001354898.2); c.5714T>C, p.Phe1905Ser (NM_001354899.2); c.5675T>C, p.Phe1892Ser (NM_001354900.2); c.5621T>C, p.Phe1874Ser (NM_001354901.2, NM_001407453.1); and 11 more; short protein forms F1549S, F1804S, F1850S, F1892S, F1915S, F1933S, F1650S, F1832S.
Identifiers: ClinVar variation 3411825 (VCV003411825.1).